The following is an entry in ClinVar:

ClinVar aggregate classification (germline): Likely benign (1 of 4 stars; one submission).

Submission:

CeGaT Center for Human Genetics Tuebingen
Classification: Likely benign. Last evaluated: 2026-06-01. Review status: criteria provided, single submitter. Criteria: CeGaT Center For Human Genetics Tuebingen Variant Classification Criteria Version 2. Collection method: clinical testing. Allele origin: germline. Affected: yes. Observed: 1 variant allele.
Comment: TBC1D2B: BP4, BP7

NM_144572.2(TBC1D2B):c.2220C>T (p.Leu740=)

Gene: TBC1D2B (TBC1 domain family member 2B; minus strand). Cytogenetic location: 15q25.1.
Variant type: single nucleotide variant.
Coding change: c.2220C>T on transcript NM_144572.2 (MANE Select); coding-DNA position 2220, C replaced by T.
Protein change: p.Leu740=; no amino-acid change (leucine 740 retained).
Molecular consequence: synonymous variant.
Genome position (GRCh38, 1-based): chr15:78,012,873, G>A on the plus strand (C>T on the coding strand, the complement: TBC1D2B is on the minus strand). VCF-style: chr15-78012873-G-A. GRCh37 (hg19) VCF-style: chr15-78305215-G-A.
Other names: c.2220C>T, p.Leu740= (NM_001387142.1, NM_001387144.1, NM_015079.6); c.2217C>T, p.Leu739= (NM_001387143.1); c.1884C>T, p.Leu628= (NM_001387145.1, NM_001387146.1, NM_001387147.1 and 1 more transcripts); c.1770C>T, p.Leu590= (NM_001387149.1).
Identifiers: ClinVar variation 4872878 (VCV004872878.2).